The following is an entry in ClinVar:

ClinVar aggregate classification (germline): Uncertain significance (1 of 4 stars; one submission).

Allele frequency attached by ClinVar (database versions not stated): gnomAD 0.00001; TOPMed 0.00005; ESP Exome Variant Server 0.00008; gnomAD exomes 0.00008; 1000 Genomes Project 30x 0.00016; ExAC 0.00016; 1000 Genomes Project 0.00020.

Submission:

Labcorp Genetics (formerly Invitae), Labcorp
Classification: Uncertain significance. Last evaluated: 2023-07-28. Review status: criteria provided, single submitter. Criteria: Invitae Variant Classification Sherloc (09022015). Collection method: clinical testing. Allele origin: germline.
Comment: In summary, the available evidence is currently insufficient to determine the role of this variant in disease. Therefore, it has been classified as a Variant of Uncertain Significance. Advanced modeling of protein sequence and biophysical properties (such as structural, functional, and spatial information, amino acid conservation, physicochemical variation, residue mobility, and thermodynamic stability) performed at Invitae indicates that this missense variant is not expected to disrupt FAT2 protein function. This variant has not been reported in the literature in individuals affected with FAT2-related conditions. This variant is present in population databases (rs201796280, gnomAD 0.1%), and has an allele count higher than expected for a pathogenic variant. This sequence change replaces alanine, which is neutral and non-polar, with threonine, which is neutral and polar, at codon 498 of the FAT2 protein (p.Ala498Thr).

NM_001447.3(FAT2):c.1492G>A (p.Ala498Thr)

Gene: FAT2 (FAT atypical cadherin 2; minus strand). Cytogenetic location: 5q33.1.
Variant type: single nucleotide variant.
Coding change: c.1492G>A on transcript NM_001447.3 (MANE Select); coding-DNA position 1492, G replaced by A.
Protein change: p.Ala498Thr; replaces alanine 498 with threonine.
Molecular consequence: missense variant.
Genome position (GRCh38, 1-based): chr5:151,567,440, C>T on the plus strand (G>A on the coding strand, the complement: FAT2 is on the minus strand). VCF-style: chr5-151567440-C-T. GRCh37 (hg19) VCF-style: chr5-150947001-C-T.
Other names: short protein forms A498T.
Identifiers: ClinVar variation 2741125 (VCV002741125.3), dbSNP rs201796280, ClinGen allele CA3522247.